The following is an entry in ClinVar:

NM_015559.3(SETBP1):c.3611A>G (p.Asn1204Ser)

Gene: SETBP1 (SET binding protein 1; plus strand). Cytogenetic location: 18q12.3.
Variant type: single nucleotide variant.
Coding change: c.3611A>G on transcript NM_015559.3 (MANE Select); coding-DNA position 3611, A replaced by G.
Protein change: p.Asn1204Ser; replaces asparagine 1204 with serine.
Molecular consequence: missense variant.
Genome position (GRCh38, 1-based): chr18:44,952,951, A>G. VCF-style: chr18-44952951-A-G. GRCh37 (hg19) VCF-style: chr18-42532916-A-G.
Other names: c.3611A>G, p.Asn1204Ser (NM_001379141.1, NM_001379142.1, NM_001410862.1); c.3611A>G (NM_015559.2); short protein forms N1204S.
Identifiers: ClinVar variation 2866532 (VCV002866532.4), dbSNP rs938877720, ClinGen allele CA299699561.

ClinVar aggregate classification (germline): Uncertain significance. Review status: criteria provided, multiple submitters, no conflicts (2 of 4 stars). 2 submissions from 2 submitters: Uncertain significance (2). Last evaluated 2025-08-25.

Allele frequency attached by ClinVar (database versions not stated): gnomAD exomes below 0.00001.
gnomAD v4.1: 2 of 1,614,188 alleles (0.00012%); highest among the groups gnomAD compares: Non-Finnish European, 0.00017%; no homozygotes.

Submissions (2):

Labcorp Genetics (formerly Invitae), Labcorp
Classification: Uncertain significance. Last evaluated: 2025-08-25. Review status: criteria provided, single submitter. Criteria: Invitae Variant Classification Sherloc (09022015). Collection method: clinical testing. Allele origin: germline.
Comment: This sequence change replaces asparagine, which is neutral and polar, with serine, which is neutral and polar, at codon 1204 of the SETBP1 protein (p.Asn1204Ser). This variant is not present in population databases (gnomAD no frequency). This variant has not been reported in the literature in individuals affected with SETBP1-related conditions. ClinVar contains an entry for this variant (Variation ID: 2866532). Invitae Evidence Modeling of protein sequence and biophysical properties (such as structural, functional, and spatial information, amino acid conservation, physicochemical variation, residue mobility, and thermodynamic stability) indicates that this missense variant is not expected to disrupt SETBP1 protein function with a negative predictive value of 80%. In summary, the available evidence is currently insufficient to determine the role of this variant in disease. Therefore, it has been classified as a Variant of Uncertain Significance.

GeneDx
Classification: Uncertain significance. Last evaluated: 2024-03-11. Review status: criteria provided, single submitter. Criteria: GeneDx Variant Classification Process June 2021. Collection method: clinical testing. Allele origin: germline. Affected: yes.
Comment: Not observed at significant frequency in large population cohorts (gnomAD); In silico analysis supports that this missense variant does not alter protein structure/function; Has not been previously published as pathogenic or benign to our knowledge